The following is an entry in ClinVar:

NM_001393704.1(MOBP):c.361C>T (p.Pro121Ser)

Gene: MOBP (myelin associated oligodendrocyte basic protein; plus strand). Cytogenetic location: 3p22.1.
Variant type: single nucleotide variant.
Coding change: c.361C>T on transcript NM_001393704.1 (MANE Select); coding-DNA position 361, C replaced by T.
Protein change: p.Pro121Ser; replaces proline 121 with serine.
Molecular consequence: missense variant. On other transcripts: non-coding transcript variant (2), intron variant (1).
Genome position (GRCh38, 1-based): chr3:39,502,689, C>T. VCF-style: chr3-39502689-C-T. GRCh37 (hg19) VCF-style: chr3-39544180-C-T.
Other names: c.433C>T, p.Pro145Ser (NM_001278322.2); c.361C>T, p.Pro121Ser (NM_001278323.2, NM_006501.1, NM_182934.1); c.206+414C>T (NM_182935.4); short protein forms P121S, P145S.
Identifiers: ClinVar variation 2634225 (VCV002634225.2), dbSNP rs995835006, ClinGen allele CA73442898.

ClinVar aggregate classification (germline): Likely benign (0 of 4 stars; one submission).

Conditions:
MOBP-related disorder. Also called: MOBP-related condition.

Allele frequency attached by ClinVar (database versions not stated): gnomAD 0.00006; gnomAD exomes 0.00014.
gnomAD v4.1: 85 of 1,509,248 alleles (0.0056%); highest among the groups gnomAD compares: Non-Finnish European, 0.0064%; no homozygotes.

Submission:

PreventionGenetics, part of Exact Sciences
Classification: Likely benign for MOBP-related condition. Last evaluated: 2024-07-12. Review status: no assertion criteria provided. Collection method: clinical testing. Allele origin: germline.
Comment: This variant is classified as likely benign based on ACMG/AMP sequence variant interpretation guidelines (Richards et al. 2015 PMID: 25741868, with internal and published modifications).